The following is an entry in ClinVar:

ClinVar aggregate classification (germline): Uncertain significance. Review status: criteria provided, multiple submitters, no conflicts (2 of 4 stars). 3 submissions from 3 submitters: Uncertain significance (3). Last evaluated 2026-01-12.

Conditions:
Hereditary cancer-predisposing syndrome. Also called: Hereditary neoplastic syndrome; Neoplastic Syndromes, Hereditary; Tumor predisposition; Hereditary Cancer Syndrome. Identifiers: Orphanet 140162, MedGen C0027672, MeSH D009386, MONDO:0015356.
Neuroblastoma, susceptibility to, 3. Also called: ALK-Related Neuroblastic Tumor Susceptibility. Identifiers: Orphanet 635, MedGen C2751681, MONDO:0013083, OMIM 613014.

Allele frequency attached by ClinVar (database versions not stated): gnomAD exomes below 0.00001 and 0.00003; ExAC 0.00001; gnomAD 0.00002; TOPMed 0.00002.
gnomAD v4.1: 54 of 1,613,512 alleles (0.0033%); highest among the groups gnomAD compares: Middle Eastern, 0.016%; no homozygotes.

Submissions (3):

Labcorp Genetics (formerly Invitae), Labcorp
Classification: Uncertain significance for Neuroblastoma, susceptibility to, 3. Last evaluated: 2026-01-12. Review status: criteria provided, single submitter. Criteria: Invitae Variant Classification Sherloc (09022015). Collection method: clinical testing. Allele origin: germline.
Comment: This sequence change replaces aspartic acid, which is acidic and polar, with glycine, which is neutral and non-polar, at codon 885 of the ALK protein (p.Asp885Gly). This variant is present in population databases (rs745406091, gnomAD 0.002%). This variant has not been reported in the literature in individuals affected with ALK-related conditions. ClinVar contains an entry for this variant (Variation ID: 470799). An algorithm developed to predict the effect of missense changes on protein structure and function (PolyPhen-2) suggests that this variant is likely to be disruptive. In summary, the available evidence is currently insufficient to determine the role of this variant in disease. Therefore, it has been classified as a Variant of Uncertain Significance.

Ambry Genetics
Classification: Uncertain significance for Hereditary cancer-predisposing syndrome. Last evaluated: 2024-12-23. Review status: criteria provided, single submitter. Criteria: Ambry Variant Classification Scheme 2023. Collection method: clinical testing. Allele origin: germline.
Comment: The p.D885G variant (also known as c.2654A>G), located in coding exon 16 of the ALK gene, results from an A to G substitution at nucleotide position 2654. The aspartic acid at codon 885 is replaced by glycine, an amino acid with similar properties. This variant was detected in multiple individuals with no reported features of neuroblastic tumor predisposition (Ambry internal data). This amino acid position is highly conserved in available vertebrate species. In addition, the in silico prediction for this alteration is inconclusive. Based on the available evidence, the clinical significance of this variant remains unclear.

GeneDx
Classification: Uncertain significance. Last evaluated: 2023-02-27. Review status: criteria provided, single submitter. Criteria: GeneDx Variant Classification Process June 2021. Collection method: clinical testing. Allele origin: germline. Affected: yes.
Comment: Not observed at significant frequency in large population cohorts (gnomAD); In silico analysis supports that this missense variant has a deleterious effect on protein structure/function; Has not been previously published as pathogenic or benign to our knowledge; In silico analysis suggests this variant may impact gene splicing. In the absence of RNA/functional studies, the actual effect of this sequence change is unknown.; This variant is associated with the following publications: (PMID: 30886832)

NM_004304.5(ALK):c.2654A>G (p.Asp885Gly)

Gene: ALK (ALK receptor tyrosine kinase; minus strand). Cytogenetic location: 2p23.2.
Variant type: single nucleotide variant.
Coding change: c.2654A>G on transcript NM_004304.5 (MANE Select); coding-DNA position 2654, A replaced by G.
Protein change: p.Asp885Gly; replaces aspartic acid 885 with glycine.
Molecular consequence: missense variant.
Genome position (GRCh38, 1-based): chr2:29,229,045, T>C on the plus strand (A>G on the coding strand, the complement: ALK is on the minus strand). VCF-style: chr2-29229045-T-C. GRCh37 (hg19) VCF-style: chr2-29451911-T-C.
Other names: short protein forms D885G.
Identifiers: ClinVar variation 470799 (VCV000470799.10), dbSNP rs745406091, ClinGen allele CA1594222.